The following is an entry in ClinVar:

NM_004369.4(COL6A3):c.7330C>T (p.Arg2444Trp)

Gene: COL6A3 (collagen type VI alpha 3 chain; minus strand). Cytogenetic location: 2q37.3.
Variant type: single nucleotide variant.
Coding change: c.7330C>T on transcript NM_004369.4 (MANE Select); coding-DNA position 7330, C replaced by T.
Protein change: p.Arg2444Trp; replaces arginine 2444 with tryptophan.
Molecular consequence: missense variant.
Genome position (GRCh38, 1-based): chr2:237,344,688, G>A on the plus strand (C>T on the coding strand, the complement: COL6A3 is on the minus strand). VCF-style: chr2-237344688-G-A. GRCh37 (hg19) VCF-style: chr2-238253331-G-A.
Other names: c.5509C>T, p.Arg1837Trp (NM_057166.5); c.6712C>T, p.Arg2238Trp (NM_057167.4); short protein forms R2444W, R2238W, R1837W.
Identifiers: ClinVar variation 635080 (VCV000635080.8), dbSNP rs771424958, ClinGen allele CA2187825.
Genomic context (GRCh38, chr2:237,344,688, plus strand): 5'-TGGAGTCAGCAAACCGGATCTCCGTGGTCACCTCGTTGTTGTAGGTGACCACAGCCACCC[G>A]GGCCCCCCGTGGGCAGTTGCTCTCAGCAATGGTCAGGTCATTCACAATACTCAAGACCAC-3'
Protein context (NP_004360.2, residues 2434-2454): IAESNCPRGA[Arg2444Trp]VAVVTYNNEV

ClinVar aggregate classification (germline): Uncertain significance. Review status: criteria provided, multiple submitters, no conflicts (2 of 4 stars). 3 submissions from 3 submitters: Uncertain significance (3). Last evaluated 2024-11-19.

Conditions:
Ullrich congenital muscular dystrophy 1A. Also called: Intermediate COL6-RD; Ullrich congenital muscular dystrophy 1. Identifiers: Orphanet 75840, MedGen C0410179, MONDO:0009681, OMIM 254090.
Bethlem myopathy 1A. Also called: Bethlem Muscular Dystrophy; Bethlem myopathy 1; MYOPATHY, BENIGN CONGENITAL, WITH CONTRACTURES. Identifiers: Orphanet 610, MedGen CN029274, MONDO:0024530, OMIM 158810.

Allele frequency attached by ClinVar (database versions not stated): gnomAD exomes below 0.00001; ExAC 0.00001; TOPMed 0.00002.
gnomAD v4.1: 7 of 1,610,292 alleles (0.00043%); highest among the groups gnomAD compares: Non-Finnish European, 0.00059%; no homozygotes.

Submissions (3):

Labcorp Genetics (formerly Invitae), Labcorp
Classification: Uncertain significance for Bethlem myopathy 1A. Last evaluated: 2024-11-19. Review status: criteria provided, single submitter. Criteria: Invitae Variant Classification Sherloc (09022015). Collection method: clinical testing. Allele origin: germline.
Comment: This sequence change replaces arginine, which is basic and polar, with tryptophan, which is neutral and slightly polar, at codon 2444 of the COL6A3 protein (p.Arg2444Trp). This variant is present in population databases (rs771424958, gnomAD 0.0009%). This missense change has been observed in individual(s) with limb-girdle weakness (PMID: 32528171). ClinVar contains an entry for this variant (Variation ID: 635080). Invitae Evidence Modeling of protein sequence and biophysical properties (such as structural, functional, and spatial information, amino acid conservation, physicochemical variation, residue mobility, and thermodynamic stability) indicates that this missense variant is expected to disrupt COL6A3 protein function with a positive predictive value of 80%. In summary, the available evidence is currently insufficient to determine the role of this variant in disease. Therefore, it has been classified as a Variant of Uncertain Significance.

Baylor Genetics
Classification: Uncertain significance for Ullrich congenital muscular dystrophy 1A. Last evaluated: 2019-09-19. Review status: criteria provided, single submitter. Criteria: ACMG Guidelines, 2015. Collection method: clinical testing. Allele origin: unknown. Affected: yes.
Comment: This variant was determined to be of uncertain significance according to ACMG Guidelines, 2015 [PMID:25741868].

Broad Center for Mendelian Genomics, Broad Institute of MIT and Harvard
Classification: Uncertain significance for Ullrich congenital muscular dystrophy 1A. Last evaluated: 2018-06-15. Review status: criteria provided, single submitter. Criteria: ACMG Guidelines, 2015. Collection method: research. Allele origin: germline. Inheritance: Autosomal recessive inheritance. Affected: yes.
Comment: This variant was absent from large population studies. The Arginine (Arg) at position 2444 is conserved in mammals and evolutionarily distant species, raising the possibility that a change at this position may not be tolerated. Computational prediction tools suggest that this variant may impact the protein, though this information is not predictive enough to determine pathogenicity. In summary, the clinical significance of this variant is uncertain.

Literature cited by the submitters: PubMed 32528171 (cited by Labcorp Genetics (formerly Invitae), Labcorp).